The following is an entry in ClinVar:

NM_001164586.2(IGFN1):c.6684T>C (p.Ser2228=)

Gene: IGFN1 (immunoglobulin like and fibronectin type III domain containing 1; plus strand). Cytogenetic location: 1q32.1.
Variant type: single nucleotide variant.
Coding change: c.6684T>C on transcript NM_001164586.2 (MANE Select); coding-DNA position 6684, T replaced by C.
Protein change: p.Ser2228=; no amino-acid change (serine 2228 retained).
Molecular consequence: synonymous variant. On other transcripts: intron variant (1).
Genome position (GRCh38, 1-based): chr1:201,211,577, T>C. VCF-style: chr1-201211577-T-C. GRCh37 (hg19) VCF-style: chr1-201180705-T-C.
Other names: c.1242-1929T>C (NM_001367841.1).
Identifiers: ClinVar variation 2639767 (VCV002639767.24), dbSNP rs745379220, ClinGen allele CA1322801.

ClinVar aggregate classification (germline): Likely benign (1 of 4 stars; one submission).

Allele frequency attached by ClinVar (database versions not stated): ExAC 0.00011.

Submission:

CeGaT Center for Human Genetics Tuebingen
Classification: Likely benign. Last evaluated: 2023-08-01. Review status: criteria provided, single submitter. Criteria: CeGaT Center For Human Genetics Tuebingen Variant Classification Criteria Version 2. Collection method: clinical testing. Allele origin: germline. Affected: yes. Observed: 1 variant allele.
Comment: IGFN1: BP4, BP7